The following is an entry in ClinVar:

ClinVar aggregate classification (germline): Uncertain significance (1 of 4 stars; one submission).

Conditions:
Inborn genetic diseases. Identifiers: MedGen C0950123, MeSH D030342.

Submission:

Ambry Genetics
Classification: Uncertain significance for Inborn genetic diseases. Last evaluated: 2023-07-13. Review status: criteria provided, single submitter. Criteria: Ambry Variant Classification Scheme 2023. Collection method: clinical testing. Allele origin: germline.
Comment: The p.L392F variant (also known as c.1176G>C), located in coding exon 5 of the ATR gene, results from a G to C substitution at nucleotide position 1176. The leucine at codon 392 is replaced by phenylalanine, an amino acid with highly similar properties. This amino acid position is conserved. In addition, this alteration is predicted to be tolerated by in silico analysis. Since supporting evidence is limited at this time, the clinical significance of this alteration remains unclear.

NM_001184.4(ATR):c.1176G>C (p.Leu392Phe)

Gene: ATR (ATR checkpoint kinase; minus strand). Cytogenetic location: 3q23.
Variant type: single nucleotide variant.
Coding change: c.1176G>C on transcript NM_001184.4 (MANE Select); coding-DNA position 1176, G replaced by C.
Protein change: p.Leu392Phe; replaces leucine 392 with phenylalanine.
Molecular consequence: missense variant.
Genome position (GRCh38, 1-based): chr3:142,561,416, C>G on the plus strand (G>C on the coding strand, the complement: ATR is on the minus strand). VCF-style: chr3-142561416-C-G. GRCh37 (hg19) VCF-style: chr3-142280258-C-G.
Other names: c.1176G>C, p.Leu392Phe (NM_001354579.2); short protein forms L392F.
Identifiers: ClinVar variation 2587567 (VCV002587567.2), dbSNP rs2034873336, ClinGen allele CA354823491.